The following is an entry in ClinVar:

ClinVar aggregate classification (germline): Conflicting classifications of pathogenicity. Review status: criteria provided, conflicting classifications (1 of 4 stars). 2 submissions from 2 submitters: Pathogenic (1); Uncertain significance (1). Last evaluated 2026-01-15.

Conditions:
Hypertrophic cardiomyopathy 20. Identifiers: MedGen C3151267, MONDO:0013477, OMIM 613876.
Dilated cardiomyopathy 1CC (CMD1CC). Identifiers: Orphanet 154, MedGen C2751084, MONDO:0013147, OMIM 613122.

Submissions (2):

Labcorp Genetics (formerly Invitae), Labcorp
Classification: Pathogenic for Dilated cardiomyopathy 1CC; Hypertrophic cardiomyopathy 20. Last evaluated: 2026-01-15. Review status: criteria provided, single submitter. Criteria: Invitae Variant Classification Sherloc (09022015). Collection method: clinical testing. Allele origin: germline.
Comment: This sequence change creates a premature translational stop signal (p.Glu240Asnfs*8) in the NEXN gene. It is expected to result in an absent or disrupted protein product. Loss-of-function variants in NEXN are known to be pathogenic (PMID: 19881492, 32058062, 32814711, 32870709, 33949776, 38059363, 40680702). This variant is present in population databases (rs761621108, gnomAD 0.01%). This variant has not been reported in the literature in individuals affected with NEXN-related conditions. For these reasons, this variant has been classified as Pathogenic.

Blueprint Genetics
Classification: Uncertain significance. Last evaluated: 2021-05-10. Review status: criteria provided, single submitter. Criteria: ACMG Guidelines, 2015. Collection method: clinical testing. Allele origin: germline.

Literature cited by the submitters: PubMed 19881492 (cited by Labcorp Genetics (formerly Invitae), Labcorp); PubMed 32058062 (cited by Labcorp Genetics (formerly Invitae), Labcorp); PubMed 32814711 (cited by Labcorp Genetics (formerly Invitae), Labcorp); PubMed 32870709 (cited by Labcorp Genetics (formerly Invitae), Labcorp); PubMed 33949776 (cited by Labcorp Genetics (formerly Invitae), Labcorp); PubMed 38059363 (cited by Labcorp Genetics (formerly Invitae), Labcorp); PubMed 40680702 (cited by Labcorp Genetics (formerly Invitae), Labcorp).

NM_144573.4(NEXN):c.718del (p.Glu240fs)

Gene: NEXN (nexilin F-actin binding protein; plus strand). Cytogenetic location: 1p31.1.
Variant type: Deletion.
Coding change: c.718del on transcript NM_144573.4 (MANE Select); coding-DNA position 718, one base deleted (G; older notation c.718delG).
Protein change: p.Glu240fs; shifts the reading frame from glutamic acid 240.
Molecular consequence: frameshift variant.
Genome position (GRCh38, 1-based): chr1:77,926,746, G deleted. VCF-style (leftmost placement, unchanged base first): chr1-77926745-AG-A. GRCh37 (hg19) VCF-style: chr1-78392430-AG-A.
Other names: c.526del, p.Glu176fs (NM_001172309.2); short protein forms E176fs, E240fs.
Identifiers: ClinVar variation 4787433 (VCV004787433.2).